The following is an entry in ClinVar:

NM_183075.3(CYP2U1):c.543_544del (p.His182fs)

Gene: CYP2U1 (cytochrome P450 family 2 subfamily U member 1; plus strand). Cytogenetic location: 4q25.
Variant type: Microsatellite.
Coding change: c.543_544del on transcript NM_183075.3 (MANE Select); coding-DNA positions 543 to 544, 2 bases deleted (TC; older notation c.543_544delTC).
Protein change: p.His182fs; shifts the reading frame from histidine 182.
Molecular consequence: frameshift variant.
Genome position (GRCh38, 1-based): chr4:107,945,022-107,945,023, TC deleted; deleting any 2 consecutive bases within chr4:107,945,018-107,945,023 gives the same sequence; the c. name uses the placement nearest the transcript's 3' end. VCF-style (leftmost placement, unchanged base first): chr4-107945017-TTC-T. GRCh37 (hg19) VCF-style: chr4-108866173-TTC-T.
Other names: short protein forms H182fs.
Identifiers: ClinVar variation 1951827 (VCV001951827.6), dbSNP rs1178005151, ClinGen allele CA553628885.

ClinVar aggregate classification (germline): Pathogenic. Review status: criteria provided, multiple submitters, no conflicts (2 of 4 stars). 2 submissions from 2 submitters: Pathogenic (2). Last evaluated 2025-07-28.

Conditions:
Hereditary spastic paraplegia 56. Also called: Spastic paraplegia 56, autosomal recessive; SPASTIC PARAPLEGIA 56, AUTOSOMAL RECESSIVE, WITH OR WITHOUT PSEUDOXANTHOMA ELASTICUM; Spastic Paraplegia 56. Identifiers: Orphanet 320411, MedGen C3539507, MONDO:0014015, OMIM 615030.
Spastic paraplegia. Identifiers: MedGen C0037772, HP:0001258.

Submissions (2):

Labcorp Genetics (formerly Invitae), Labcorp
Classification: Pathogenic for Spastic paraplegia. Last evaluated: 2025-07-28. Review status: criteria provided, single submitter. Criteria: Invitae Variant Classification Sherloc (09022015). Collection method: clinical testing. Allele origin: germline.
Comment: This sequence change creates a premature translational stop signal (p.His182Phefs*12) in the CYP2U1 gene. It is expected to result in an absent or disrupted protein product. Loss-of-function variants in CYP2U1 are known to be pathogenic (PMID: 23176821, 26936192, 27292318). This variant is present in population databases (no rsID available, gnomAD 0.0009%). This variant has not been reported in the literature in individuals affected with CYP2U1-related conditions. For these reasons, this variant has been classified as Pathogenic.

3billion
Classification: Pathogenic for Hereditary spastic paraplegia 56. Last evaluated: 2023-08-04. Review status: criteria provided, single submitter. Criteria: ACMG Guidelines, 2015. Collection method: clinical testing. Allele origin: germline. Affected: yes.
Comment: The variant is observed at an extremely low frequency in the gnomAD v2.1.1 dataset (total allele frequency: <0.001%). Predicted Consequence/Location: Frameshift: predicted to result in a loss or disruption of normal protein function through nonsense-mediated decay (NMD) or protein truncation. Multiple pathogenic variants are reported downstream of the variant. The variant has been reported to be associated with CYP2U1 related disorder (ClinVar ID: VCV001951827). Therefore, this variant is classified as Pathogenic according to the recommendation of ACMG/AMP guideline.

Literature cited by the submitters: PubMed 23176821 (cited by Labcorp Genetics (formerly Invitae), Labcorp); PubMed 26936192 (cited by Labcorp Genetics (formerly Invitae), Labcorp); PubMed 27292318 (cited by Labcorp Genetics (formerly Invitae), Labcorp).